The following is an entry in ClinVar:

ClinVar aggregate classification (germline): Benign (1 of 4 stars; one submission).

Conditions:
Cleft palate with or without ankyloglossia, X-linked. Identifiers: Orphanet 324601, MedGen C1844830, MONDO:0010560, OMIM 303400.

Allele frequency attached by ClinVar (database versions not stated): gnomAD 0.02272 and 0.02400; TOPMed 0.02574; 1000 Genomes Project 0.02914; 1000 Genomes Project 30x 0.03059.

Submission:

Illumina Laboratory Services, Illumina
Classification: Benign for Cleft palate with or without ankyloglossia, X-linked. Last evaluated: 2018-01-13. Review status: criteria provided, single submitter. Criteria: ICSL Variant Classification Criteria 13 December 2019. Collection method: clinical testing. Allele origin: germline.
Comment: This variant was observed in the ICSL laboratory as part of a predisposition screen in an ostensibly healthy population. It had not been previously curated by ICSL or reported in the Human Gene Mutation Database (HGMD: prior to June 1st, 2018), and was therefore a candidate for classification through an automated scoring system. Utilizing variant allele frequency, disease prevalence and penetrance estimates, and inheritance mode, an automated score was calculated to assess if this variant is too frequent to cause the disease. Based on the score and internal cut-off values, a variant classified as benign is not then subjected to further curation. The score for this variant resulted in a classification of benign for this disease.

NM_001109878.2(TBX22):c.-103G>A

Genes: TBX22 (T-box transcription factor 22), LOC109286564 (TBX22 P0 promoter). Cytogenetic location: Xq21.1.
Variant type: single nucleotide variant.
Coding change: c.-103G>A on transcript NM_001109878.2 (MANE Select); 103 bases upstream of the start codon, G replaced by A.
Molecular consequence: 5 prime UTR variant.
Genome position (GRCh38, 1-based): chrX:80,014,787, G>A. VCF-style: chrX-80014787-G-A. GRCh37 (hg19) VCF-style: chrX-79270286-G-A.
Other names: c.-459G>A (NM_001109879.2).
Identifiers: ClinVar variation 368660 (VCV000368660.5), dbSNP rs73496511, ClinGen allele CA10654381.